The following is an entry in ClinVar:

NM_004408.4(DNM1):c.1268C>T (p.Pro423Leu)

Gene: DNM1 (dynamin 1; plus strand). Cytogenetic location: 9q34.11.
Variant type: single nucleotide variant.
Coding change: c.1268C>T on transcript NM_004408.4 (MANE Select); coding-DNA position 1268, C replaced by T.
Protein change: p.Pro423Leu; replaces proline 423 with leucine.
Molecular consequence: missense variant. On other transcripts: intron variant (3).
Genome position (GRCh38, 1-based): chr9:128,224,322, C>T. VCF-style: chr9-128224322-C-T. GRCh37 (hg19) VCF-style: chr9-130986601-C-T.
Other names: c.1268C>T, p.Pro423Leu (NM_001005336.3, NM_001374269.1); c.1196+1462C>T (NM_001288738.2, NM_001288737.2, NM_001288739.2); short protein forms P423L.
Identifiers: ClinVar variation 1434704 (VCV001434704.8), dbSNP rs1373361613, ClinGen allele CA375018463.
Genomic context (GRCh38, chr9:128,224,322, plus strand): 5'-TTACCCCAGACATGGCCTTTGAGACCATTGTGAAAAAGCAGGTGAAGAAGATCCGAGAAC[C>T]GTGTCTCAAGTGTGTGGACATGGTTATCTCGGAGCTAATCAGCACCGTTAGACAGTGCAC-3'
Protein context (NP_004399.2, residues 413-433): VKKQVKKIRE[Pro423Leu]CLKCVDMVIS

ClinVar aggregate classification (germline): Uncertain significance (1 of 4 stars; one submission).

Conditions:
Developmental and epileptic encephalopathy, 31A. Also called: Epileptic encephalopathy, early infantile, 31; Developmental and epileptic encephalopathy, 31. Identifiers: Orphanet 2382, MedGen C4225357, MONDO:0014598, OMIM 616346.

Allele frequency attached by ClinVar (database versions not stated): gnomAD exomes below 0.00001; TOPMed below 0.00001; gnomAD 0.00001.
gnomAD v4.1: 7 of 1,613,948 alleles (0.00043%); highest among the groups gnomAD compares: East Asian, 0.0045%; no homozygotes.

Submission:

Labcorp Genetics (formerly Invitae), Labcorp
Classification: Uncertain significance for Developmental and epileptic encephalopathy, 31A. Last evaluated: 2021-07-14. Review status: criteria provided, single submitter. Criteria: Invitae Variant Classification Sherloc (09022015). Collection method: clinical testing. Allele origin: germline.
Comment: This sequence change replaces proline with leucine at codon 423 of the DNM1 protein (p.Pro423Leu). The proline residue is highly conserved and there is a moderate physicochemical difference between proline and leucine. This variant is not present in population databases (ExAC no frequency). This variant has not been reported in the literature in individuals with DNM1-related conditions. Advanced modeling of protein sequence and biophysical properties (such as structural, functional, and spatial information, amino acid conservation, physicochemical variation, residue mobility, and thermodynamic stability) performed at Invitae indicates that this missense variant is expected to disrupt DNM1 protein function. In summary, the available evidence is currently insufficient to determine the role of this variant in disease. Therefore, it has been classified as a Variant of Uncertain Significance.